The following is an entry in ClinVar:

NM_001165963.4(SCN1A):c.4476+2T>C

Genes: SCN1A (sodium voltage-gated channel alpha subunit 1; minus strand), LOC102724058 (uncharacterized LOC102724058; plus strand). Cytogenetic location: 2q24.3.
Variant type: single nucleotide variant.
Coding change: c.4476+2T>C on transcript NM_001165963.4 (MANE Select); the canonical splice donor site of the intron after coding-DNA position 4476, T replaced by C.
Molecular consequence: splice donor variant.
Genome position (GRCh38, 1-based): chr2:165,998,036, A>G on the plus strand (T>C on the coding strand, the complement: SCN1A is on the minus strand). VCF-style: chr2-165998036-A-G. GRCh37 (hg19) VCF-style: chr2-166854546-A-G.
Other names: c.4443+2T>C (NM_001353949.2, NM_001353950.2, NM_001353951.2 and 2 more transcripts); c.4392+2T>C (NM_001353958.2, NM_001353957.2, NM_001165964.3); c.4476+2T>C (NM_001202435.3, NM_001353948.2); c.4440+2T>C (NM_001353955.2, NM_001353954.2); c.4389+2T>C (NM_001353960.2); c.2034+2T>C (NM_001353961.2).
Identifiers: ClinVar variation 2835076 (VCV002835076.3), dbSNP rs2468393292, ClinGen allele CA349049035.
Genomic context (GRCh38, chr2:165,998,036, plus strand): 5'-AGAAAACACTCCAAGGAATAATTTTCTATCTCAGTGGGAGAGAAAATATTAGAAATACTT[A>G]TCTTCTTTTTCTGCTGGTTGAAATTATCTATGATGACACCAATAAACAGGTTCAAGGTGA-3'

ClinVar aggregate classification (germline): Pathogenic (1 of 4 stars; one submission).

Conditions:
Early-infantile DEE. Also called: Early infantile epileptic encephalopathy; Early infantile epileptic encephalopathy with suppression bursts; Ohtahara syndrome. Identifiers: Orphanet 1934, MedGen C0393706, MONDO:0800491.

Submission:

Labcorp Genetics (formerly Invitae), Labcorp
Classification: Pathogenic for Early-infantile DEE. Last evaluated: 2023-08-17. Review status: criteria provided, single submitter. Criteria: Invitae Variant Classification Sherloc (09022015). Collection method: clinical testing. Allele origin: germline.
Comment: For these reasons, this variant has been classified as Pathogenic. Algorithms developed to predict the effect of sequence changes on RNA splicing suggest that this variant may disrupt the consensus splice site. Disruption of this splice site has been observed in individual(s) with clinical features of Dravet syndrome (Invitae). This variant is not present in population databases (gnomAD no frequency). This sequence change affects a donor splice site in intron 23 of the SCN1A gene. It is expected to disrupt RNA splicing. Variants that disrupt the donor or acceptor splice site typically lead to a loss of protein function (PMID: 16199547), and loss-of-function variants in SCN1A are known to be pathogenic (PMID: 17347258, 18930999).

Literature cited by the submitters: PubMed 16199547; PubMed 17347258; PubMed 18930999.